The following is an entry in ClinVar:

ClinVar aggregate classification (germline): Uncertain significance (1 of 4 stars; one submission).

Conditions:
Arginase deficiency. Also called: ARGININEMIA; ARG1 DEFICIENCY; Arginase 1 Deficiency. Identifiers: Orphanet 90, MedGen C0268548, MONDO:0008814, OMIM 207800.

Submission:

Labcorp Genetics (formerly Invitae), Labcorp
Classification: Uncertain significance for Arginase deficiency. Last evaluated: 2024-11-18. Review status: criteria provided, single submitter. Criteria: Invitae Variant Classification Sherloc (09022015). Collection method: clinical testing. Allele origin: germline.
Comment: This sequence change replaces alanine, which is neutral and non-polar, with serine, which is neutral and polar, at codon 34 of the ARG1 protein (p.Ala34Ser). This variant is not present in population databases (gnomAD no frequency). This variant has not been reported in the literature in individuals affected with ARG1-related conditions. ClinVar contains an entry for this variant (Variation ID: 1474858). Invitae Evidence Modeling of protein sequence and biophysical properties (such as structural, functional, and spatial information, amino acid conservation, physicochemical variation, residue mobility, and thermodynamic stability) indicates that this missense variant is not expected to disrupt ARG1 protein function with a negative predictive value of 80%. In summary, the available evidence is currently insufficient to determine the role of this variant in disease. Therefore, it has been classified as a Variant of Uncertain Significance.

NM_000045.4(ARG1):c.100G>T (p.Ala34Ser)

Genes: MED23 (mediator complex subunit 23; minus strand), ARG1 (arginase 1; plus strand). Cytogenetic location: 6q23.2.
Variant type: single nucleotide variant.
Coding change: c.100G>T on transcript NM_000045.4 (MANE Select); coding-DNA position 100, G replaced by T.
Protein change: p.Ala34Ser; replaces alanine 34 with serine.
Molecular consequence: missense variant. On other transcripts: intron variant (2).
Genome position (GRCh38, 1-based): chr6:131,576,705, G>T. VCF-style: chr6-131576705-G-T. GRCh37 (hg19) VCF-style: chr6-131897845-G-T.
Other names: c.100G>T, p.Ala34Ser (NM_001244438.2, NM_001369020.1); c.4078-2410C>A (NM_001270521.2); c.4096-2410C>A (NM_015979.4); short protein forms A34S.
Identifiers: ClinVar variation 1474858 (VCV001474858.7), dbSNP rs2114519325, ClinGen allele CA365649801.